The following is an entry in ClinVar:

NM_001377540.1(SLMAP):c.1012G>C (p.Glu338Gln)

Gene: SLMAP (sarcolemma associated protein; plus strand). Cytogenetic location: 3p14.3.
Variant type: single nucleotide variant.
Coding change: c.1012G>C on transcript NM_001377540.1 (MANE Select); coding-DNA position 1012, G replaced by C.
Protein change: p.Glu338Gln; replaces glutamic acid 338 with glutamine.
Molecular consequence: missense variant. On other transcripts: non-coding transcript variant (1).
Genome position (GRCh38, 1-based): chr3:57,864,593, G>C. VCF-style: chr3-57864593-G-C. GRCh37 (hg19) VCF-style: chr3-57850320-G-C.
Other names: c.1012G>C, p.Glu338Gln (NM_001304420.3, NM_001304421.2, NM_001377538.1 and 17 more transcripts); short protein forms E338Q.
Identifiers: ClinVar variation 1443660 (VCV001443660.6), dbSNP rs2153604748, ClinGen allele CA353409243.
Genomic context (GRCh38, chr3:57,864,593, plus strand): 5'-TTCTTATTTTTCTAGGTAGCAGAGGGAAAACAAGAGGAAATCCAACAGAAGGGACAGGCT[G>C]AGAAAAAAGAATTACAACATAAAATAGATGAAATGGAAGAAAAAGAACAGGAGCTCCAGG-3'
Protein context (NP_001364469.1, residues 328-348): QEEIQQKGQA[Glu338Gln]KKELQHKIDE

ClinVar aggregate classification (germline): Uncertain significance (1 of 4 stars; one submission).

Conditions:
Brugada syndrome. Also called: Sudden unexplained nocturnal death syndrome; Sudden Unexplained Death Syndrome; Sudden Unexplained Nocturnal Death Syndrome (SUNDS); Sudden unexpected nocturnal death syndrome. Identifiers: Orphanet 130, MedGen C1142166, MONDO:0015263.

Submission:

Labcorp Genetics (formerly Invitae), Labcorp
Classification: Uncertain significance for Brugada syndrome. Last evaluated: 2021-11-27. Review status: criteria provided, single submitter. Criteria: Invitae Variant Classification Sherloc (09022015). Collection method: clinical testing. Allele origin: germline.
Comment: This sequence change replaces glutamic acid, which is acidic and polar, with glutamine, which is neutral and polar, at codon 338 of the SLMAP protein (p.Glu338Gln). In summary, the available evidence is currently insufficient to determine the role of this variant in disease. Therefore, it has been classified as a Variant of Uncertain Significance. Algorithms developed to predict the effect of missense changes on protein structure and function (SIFT, PolyPhen-2, Align-GVGD) all suggest that this variant is likely to be tolerated. This variant has not been reported in the literature in individuals affected with SLMAP-related conditions. This variant is not present in population databases (gnomAD no frequency).